The following is an entry in ClinVar:

ClinVar aggregate classification (germline): Likely pathogenic (1 of 4 stars; one submission).

Conditions:
alpha Thalassemia. Also called: Alpha thalassemia spectrum. Identifiers: Orphanet 846, MedGen C0002312, MONDO:0011399, OMIM 604131.

Submission:

Natera, Inc.
Classification: Likely pathogenic for Alpha thalassemia. Last evaluated: 2024-07-08. Review status: criteria provided, single submitter. Criteria: Natera Variant Classification Schema (03/2026). Collection method: clinical testing. Allele origin: germline.
Comment: The c.301-1G>T variant in HBA1 is a canonical splice acceptor site variant predicted to affect pre-mRNA splicing, which may result in an abnormal transcript and altered protein product. This variant is expected to result in nonsense mediated decay, truncation, or a dysfunctional protein product. This variant is rare in the general population with a frequency below the threshold expected for the associated phenotype(s). Given the available evidence, this variant is classified as Likely Pathogenic.

NM_000558.5(HBA1):c.301-1G>T

Genes: HBA1 (hemoglobin subunit alpha 1; plus strand), LOC106804613 (hemoglobin subunit alpha 1 recombination region; plus strand). Cytogenetic location: 16p13.3.
Variant type: single nucleotide variant.
Coding change: c.301-1G>T on transcript NM_000558.5 (MANE Select); the canonical splice acceptor site of the intron before coding-DNA position 301, G replaced by T.
Molecular consequence: splice acceptor variant.
Genome position (GRCh38, 1-based): chr16:177,282, G>T. VCF-style: chr16-177282-G-T. GRCh37 (hg19) VCF-style: chr16-227281-G-T.
Identifiers: ClinVar variation 4814397 (VCV004814397.1).